The following is an entry in ClinVar:

ClinVar aggregate classification (germline): Uncertain significance (1 of 4 stars; one submission).

Submission:

Ambry Genetics
Classification: Uncertain significance. Last evaluated: 2026-01-14. Review status: criteria provided, single submitter. Criteria: Ambry Variant Classification Scheme 2023. Collection method: clinical testing. Allele origin: germline.
Comment: The p.A182V variant (also known as c.545C>T), located in coding exon 4 of the RNF43 gene, results from a C to T substitution at nucleotide position 545. The alanine at codon 182 is replaced by valine, an amino acid with similar properties. This amino acid position is conserved. In addition, this alteration is predicted to be tolerated by in silico analysis. Based on the available evidence, the clinical significance of this variant remains unclear.

NM_017763.6(RNF43):c.545C>T (p.Ala182Val)

Gene: RNF43 (ring finger protein 43; minus strand). Cytogenetic location: 17q22.
Variant type: single nucleotide variant.
Coding change: c.545C>T on transcript NM_017763.6 (MANE Select); coding-DNA position 545, C replaced by T.
Protein change: p.Ala182Val; replaces alanine 182 with valine.
Molecular consequence: missense variant.
Genome position (GRCh38, 1-based): chr17:58,363,312, G>A on the plus strand (C>T on the coding strand, the complement: RNF43 is on the minus strand). VCF-style: chr17-58363312-G-A. GRCh37 (hg19) VCF-style: chr17-56440673-G-A.
Other names: c.545C>T, p.Ala182Val (NM_001305544.3, NM_001438820.1, NM_001438821.1 and 1 more transcripts); c.164C>T, p.Ala55Val (NM_001305545.2, NM_001437987.1); short protein forms A182V, A55V.
Identifiers: ClinVar variation 4841977 (VCV004841977.1).